The following is an entry in ClinVar:

NM_014991.6(WDFY3):c.3437A>G (p.Lys1146Arg)

Gene: WDFY3 (WD repeat and FYVE domain containing 3; minus strand). Cytogenetic location: 4q21.23.
Variant type: single nucleotide variant.
Coding change: c.3437A>G on transcript NM_014991.6 (MANE Select); coding-DNA position 3437, A replaced by G.
Protein change: p.Lys1146Arg; replaces lysine 1146 with arginine.
Molecular consequence: missense variant.
Genome position (GRCh38, 1-based): chr4:84,794,569, T>C on the plus strand (A>G on the coding strand, the complement: WDFY3 is on the minus strand). VCF-style: chr4-84794569-T-C. GRCh37 (hg19) VCF-style: chr4-85715722-T-C.
Other names: short protein forms K1146R.
Identifiers: ClinVar variation 4880973 (VCV004880973.2).

ClinVar aggregate classification (germline): Uncertain significance (1 of 4 stars; one submission).

Submission:

Dasa
Classification: Uncertain significance. Last evaluated: 2025-10-28. Review status: criteria provided, single submitter. Criteria: DASA Assertion Criteria. Collection method: clinical testing. Allele origin: germline.
Comment: NM_014991.6(WDFY3):c.3437A>G (p.Lys1146Arg) is a missense variant that results in the substitution of lysine with arginine. This variant is absent from population databases. Computational prediction algorithms are consistent with a benign effect. The currently available literature and clinical evidence are not sufficient to establish a definitive association between this variant and the reported condition. Therefore, this variant is classified as a variant of uncertain significance.